The following is an entry in ClinVar:

ClinVar aggregate classification (germline): Conflicting classifications of pathogenicity. Review status: criteria provided, conflicting classifications (1 of 4 stars). 2 submissions from 2 submitters: Uncertain significance (1); Likely benign (1). Last evaluated 2025-08-24.

Conditions:
Familial hypobetalipoproteinemia 1. Also called: APOB-Related Familial Hypobetalipoproteinemia; Hypobetalipoproteinemia, normotriglyceridemic; Acanthocytosis with hypobetalipoproteinemia. Identifiers: MedGen C4551990, MONDO:0014252, OMIM 615558.
Hypercholesterolemia, autosomal dominant, type B (FHCL2). Also called: Hyperlipoproteinemia Type IIb; Familial hypercholesterolemia 2; Familial Hypercholesterolemia Type B; APOLIPOPROTEIN B-100, FAMILIAL DEFECTIVE; APOLIPOPROTEIN B-100, FAMILIAL LIGAND-DEFECTIVE; HYPERCHOLESTEROLEMIA, FAMILIAL, DUE TO LIGAND-DEFECTIVE APOLIPOPROTEIN B. Identifiers: MedGen C1704417, MONDO:0007751, OMIM 144010.
Cardiovascular phenotype. Identifiers: MedGen CN230736.

Submissions (2):

Ambry Genetics
Classification: Uncertain significance for Cardiovascular phenotype. Last evaluated: 2025-08-24. Review status: criteria provided, single submitter. Criteria: Ambry Variant Classification Scheme 2023. Collection method: clinical testing. Allele origin: germline.
Comment: The p.P1818S variant (also known as c.5452C>T), located in coding exon 26 of the APOB gene, results from a C to T substitution at nucleotide position 5452. The proline at codon 1818 is replaced by serine, an amino acid with similar properties. This amino acid position is conserved. In addition, this alteration is predicted to be tolerated by in silico analysis. Since supporting evidence is limited at this time, the clinical significance of this alteration remains unclear.

Labcorp Genetics (formerly Invitae), Labcorp
Classification: Likely benign for Familial hypobetalipoproteinemia 1; Hypercholesterolemia, autosomal dominant, type B. Last evaluated: 2024-04-02. Review status: criteria provided, single submitter. Criteria: Invitae Variant Classification Sherloc (09022015). Collection method: clinical testing. Allele origin: germline.

NM_000384.3(APOB):c.5452C>T (p.Pro1818Ser)

Gene: APOB (apolipoprotein B; minus strand). Cytogenetic location: 2p24.1.
Variant type: single nucleotide variant.
Coding change: c.5452C>T on transcript NM_000384.3 (MANE Select); coding-DNA position 5452, C replaced by T.
Protein change: p.Pro1818Ser; replaces proline 1818 with serine.
Molecular consequence: missense variant.
Genome position (GRCh38, 1-based): chr2:21,011,416, G>A on the plus strand (C>T on the coding strand, the complement: APOB is on the minus strand). VCF-style: chr2-21011416-G-A. GRCh37 (hg19) VCF-style: chr2-21234288-G-A.
Other names: short protein forms P1818S.
Identifiers: ClinVar variation 1747621 (VCV001747621.5), dbSNP rs745475077, ClinGen allele CA346004693.